The following is an entry in ClinVar:

ClinVar aggregate classification (germline): Uncertain significance. Review status: criteria provided, multiple submitters, no conflicts (2 of 4 stars). 3 submissions from 3 submitters: Uncertain significance (2). 1 of the submissions does not count toward it. Last evaluated 2025-02-04.

Conditions:
IFT74-related disorder. Also called: IFT74-Related Disorders; IFT74-related condition.
Inborn genetic diseases. Identifiers: MedGen C0950123, MeSH D030342.

Allele frequency attached by ClinVar (database versions not stated): TOPMed 0.00001.

Submissions (3):

Ambry Genetics
Classification: Uncertain significance for Inborn genetic diseases. Last evaluated: 2025-02-04. Review status: criteria provided, single submitter. Criteria: Ambry Variant Classification Scheme 2023. Collection method: clinical testing. Allele origin: germline.

Labcorp Genetics (formerly Invitae), Labcorp
Classification: Uncertain significance. Last evaluated: 2021-12-10. Review status: criteria provided, single submitter. Criteria: Invitae Variant Classification Sherloc (09022015). Collection method: clinical testing. Allele origin: germline.
Comment: This variant is not present in population databases (gnomAD no frequency). This sequence change replaces glutamic acid, which is acidic and polar, with lysine, which is basic and polar, at codon 466 of the IFT74 protein (p.Glu466Lys). In summary, the available evidence is currently insufficient to determine the role of this variant in disease. Therefore, it has been classified as a Variant of Uncertain Significance. Algorithms developed to predict the effect of missense changes on protein structure and function are either unavailable or do not agree on the potential impact of this missense change (SIFT: "Deleterious"; PolyPhen-2: "Probably Damaging"; Align-GVGD: "Class C0"). This variant has not been reported in the literature in individuals affected with IFT74-related conditions.

PreventionGenetics, part of Exact Sciences
Classification: Uncertain significance for IFT74-related condition. Last evaluated: 2024-03-01. Review status: no assertion criteria provided. Collection method: clinical testing. Allele origin: germline. Not counted in ClinVar's aggregate classification.
Comment: The IFT74 c.1396G>A variant is predicted to result in the amino acid substitution p.Glu466Lys. To our knowledge, this variant has not been reported in the literature or in a large population database, indicating this variant is rare. At this time, the clinical significance of this variant is uncertain due to the absence of conclusive functional and genetic evidence.

NM_025103.4(IFT74):c.1396G>A (p.Glu466Lys)

Gene: IFT74 (intraflagellar transport 74; plus strand). Cytogenetic location: 9p21.2.
Variant type: single nucleotide variant.
Coding change: c.1396G>A on transcript NM_025103.4 (MANE Select); coding-DNA position 1396, G replaced by A.
Protein change: p.Glu466Lys; replaces glutamic acid 466 with lysine.
Molecular consequence: missense variant.
Genome position (GRCh38, 1-based): chr9:27,055,671, G>A. VCF-style: chr9-27055671-G-A. GRCh37 (hg19) VCF-style: chr9-27055669-G-A.
Other names: c.1396G>A, p.Glu466Lys (NM_001099222.3, NM_001099223.3, NM_001349928.2); c.1396G>A (NM_001099222.1, NM_025103.2); short protein forms E466K.
Identifiers: ClinVar variation 1396724 (VCV001396724.8), dbSNP rs1056984663, ClinGen allele CA191355631.